The following is an entry in ClinVar:

NM_001148.6(ANK2):c.5173A>G (p.Lys1725Glu)

Genes: ANK2 (ankyrin 2; plus strand), LOC126807136 (MED14-independent group 3 enhancer GRCh37_chr4:114274931-114276130; plus strand). Cytogenetic location: 4q26.
Variant type: single nucleotide variant.
Coding change: c.5173A>G on transcript NM_001148.6 (MANE Select); coding-DNA position 5173, A replaced by G.
Protein change: p.Lys1725Glu; replaces lysine 1725 with glutamic acid.
Molecular consequence: missense variant. On other transcripts: intron variant (68).
Genome position (GRCh38, 1-based): chr4:113,353,791, A>G. VCF-style: chr4-113353791-A-G. GRCh37 (hg19) VCF-style: chr4-114274947-A-G.
Other names: c.4939A>G, p.Lys1647Glu (NM_001386142.1); c.1573A>G, p.Lys525Glu (NM_001386166.1); c.5314A>G, p.Lys1772Glu (NM_001386174.1); c.5290A>G, p.Lys1764Glu (NM_001386175.1); c.4411+3542A>G (NM_001386186.2, NM_001386148.2); c.4213+3542A>G (NM_001354269.3); c.4291+3542A>G (NM_001386187.2); c.4252+3542A>G (NM_001386147.1); and 35 more; short protein forms K1647E, K1764E, K1772E, K525E, K1725E.
Identifiers: ClinVar variation 2969431 (VCV002969431.3), dbSNP rs2505308164, ClinGen allele CA357918279.

ClinVar aggregate classification (germline): Uncertain significance (1 of 4 stars; one submission).

Conditions:
Long QT syndrome (LQTS). Identifiers: MedGen C0023976, MeSH D008133, MONDO:0002442. Disease mechanism: loss of function. Inheritance: Various modes of inheritance.

Submission:

Labcorp Genetics (formerly Invitae), Labcorp
Classification: Uncertain significance for Long QT syndrome. Last evaluated: 2024-01-03. Review status: criteria provided, single submitter. Criteria: Invitae Variant Classification Sherloc (09022015). Collection method: clinical testing. Allele origin: germline.
Comment: This sequence change replaces lysine, which is basic and polar, with glutamic acid, which is acidic and polar, at codon 1725 of the ANK2 protein (p.Lys1725Glu). This variant is not present in population databases (gnomAD no frequency). This variant has not been reported in the literature in individuals affected with ANK2-related conditions. An algorithm developed to predict the effect of missense changes on protein structure and function (PolyPhen-2) suggests that this variant is likely to be tolerated. In summary, the available evidence is currently insufficient to determine the role of this variant in disease. Therefore, it has been classified as a Variant of Uncertain Significance.